The following is an entry in ClinVar:

NM_006766.5(KAT6A):c.2575A>G (p.Asn859Asp)

Gene: KAT6A (lysine acetyltransferase 6A; minus strand). Cytogenetic location: 8p11.21.
Variant type: single nucleotide variant.
Coding change: c.2575A>G on transcript NM_006766.5 (MANE Select); coding-DNA position 2575, A replaced by G.
Protein change: p.Asn859Asp; replaces asparagine 859 with aspartic acid.
Molecular consequence: missense variant.
Genome position (GRCh38, 1-based): chr8:41,941,306, T>C on the plus strand (A>G on the coding strand, the complement: KAT6A is on the minus strand). VCF-style: chr8-41941306-T-C. GRCh37 (hg19) VCF-style: chr8-41798824-T-C.
Other names: short protein forms N859D.
Identifiers: ClinVar variation 4768735 (VCV004768735.1).

ClinVar aggregate classification (germline): Uncertain significance (1 of 4 stars; one submission).

gnomAD v4.1: 2 of 1,613,962 alleles (0.00012%); highest among the groups gnomAD compares: African/African-American, 0.0013%; no homozygotes.

Submission:

Labcorp Genetics (formerly Invitae), Labcorp
Classification: Uncertain significance. Last evaluated: 2025-05-18. Review status: criteria provided, single submitter. Criteria: Invitae Variant Classification Sherloc (09022015). Collection method: clinical testing. Allele origin: germline.
Comment: This sequence change replaces asparagine, which is neutral and polar, with aspartic acid, which is acidic and polar, at codon 859 of the KAT6A protein (p.Asn859Asp). This variant is not present in population databases (gnomAD no frequency). This variant has not been reported in the literature in individuals affected with KAT6A-related conditions. Invitae Evidence Modeling of protein sequence and biophysical properties (such as structural, functional, and spatial information, amino acid conservation, physicochemical variation, residue mobility, and thermodynamic stability) indicates that this missense variant is not expected to disrupt KAT6A protein function with a negative predictive value of 95%. In summary, the available evidence is currently insufficient to determine the role of this variant in disease. Therefore, it has been classified as a Variant of Uncertain Significance.